The following is an entry in ClinVar:

NM_001371928.1(AHDC1):c.300G>A (p.Pro100=)

Gene: AHDC1 (AT-hook DNA binding motif containing 1; minus strand). Cytogenetic location: 1p36.11.
Variant type: single nucleotide variant.
Coding change: c.300G>A on transcript NM_001371928.1 (MANE Select); coding-DNA position 300, G replaced by A.
Protein change: p.Pro100=; no amino-acid change (proline 100 retained).
Molecular consequence: synonymous variant.
Genome position (GRCh38, 1-based): chr1:27,551,816, C>T on the plus strand (G>A on the coding strand, the complement: AHDC1 is on the minus strand). VCF-style: chr1-27551816-C-T. GRCh37 (hg19) VCF-style: chr1-27878327-C-T.
Other names: c.300G>A, p.Pro100= (NM_001029882.3).
Identifiers: ClinVar variation 3013841 (VCV003013841.6), dbSNP rs148116899, ClinGen allele CA716176.

ClinVar aggregate classification (germline): Likely benign. Review status: criteria provided, multiple submitters, no conflicts (2 of 4 stars). 3 submissions from 3 submitters: Likely benign (2). 1 of the submissions does not count toward it. Last evaluated 2025-08-17.

Conditions:
AHDC1-related disorder. Also called: AHDC1-related condition.

Allele frequency attached by ClinVar (database versions not stated): ExAC 0.00002; gnomAD 0.00002; gnomAD exomes 0.00002; ESP Exome Variant Server 0.00008.
gnomAD v4.1: 26 of 1,611,946 alleles (0.0016%); highest among the groups gnomAD compares: Admixed American, 0.0067%; no homozygotes.

Submissions (3):

Labcorp Genetics (formerly Invitae), Labcorp
Classification: Likely benign. Last evaluated: 2025-08-17. Review status: criteria provided, single submitter. Criteria: Invitae Variant Classification Sherloc (09022015). Collection method: clinical testing. Allele origin: germline.

Blueprint Genetics
Classification: Likely benign. Last evaluated: 2023-03-16. Review status: criteria provided, single submitter. Criteria: ACMG Guidelines, 2015. Collection method: clinical testing. Allele origin: germline.

PreventionGenetics, part of Exact Sciences
Classification: Likely benign for AHDC1-related condition. Last evaluated: 2022-10-08. Review status: no assertion criteria provided. Collection method: clinical testing. Allele origin: germline. Not counted in ClinVar's aggregate classification.
Comment: This variant is classified as likely benign based on ACMG/AMP sequence variant interpretation guidelines (Richards et al. 2015 PMID: 25741868, with internal and published modifications).